The following is an entry in ClinVar:

ClinVar aggregate classification (germline): Uncertain significance (1 of 4 stars; one submission).

Conditions:
Glycogen storage disease type III (GSD3). Also called: Cori disease; FORBES DISEASE. Identifiers: Orphanet 366, MedGen C0017922, MONDO:0009291, OMIM 232400.

Allele frequency attached by ClinVar (database versions not stated): gnomAD exomes 0.00001; ExAC 0.00002.
gnomAD v4.1: 8 of 1,614,078 alleles (0.0005%); highest among the groups gnomAD compares: Non-Finnish European, 0.00068%; no homozygotes.

Submission:

Labcorp Genetics (formerly Invitae), Labcorp
Classification: Uncertain significance for Glycogen storage disease type III. Last evaluated: 2023-07-07. Review status: criteria provided, single submitter. Criteria: Invitae Variant Classification Sherloc (09022015). Collection method: clinical testing. Allele origin: germline.
Comment: This variant is present in population databases (rs749411087, gnomAD 0.002%). This sequence change replaces glutamic acid, which is acidic and polar, with lysine, which is basic and polar, at codon 14 of the AGL protein (p.Glu14Lys). This variant has not been reported in the literature in individuals affected with AGL-related conditions. In summary, the available evidence is currently insufficient to determine the role of this variant in disease. Therefore, it has been classified as a Variant of Uncertain Significance. An algorithm developed to predict the effect of missense changes on protein structure and function (PolyPhen-2) suggests that this variant¬†is likely to be tolerated. ClinVar contains an entry for this variant (Variation ID: 1369367).

NM_000642.3(AGL):c.40G>A (p.Glu14Lys)

Gene: AGL (amylo-alpha-1,6-glucosidase and 4-alpha-glucanotransferase; plus strand). Cytogenetic location: 1p21.2.
Variant type: single nucleotide variant.
Coding change: c.40G>A on transcript NM_000642.3 (MANE Select); coding-DNA position 40, G replaced by A.
Protein change: p.Glu14Lys; replaces glutamic acid 14 with lysine.
Molecular consequence: missense variant.
Genome position (GRCh38, 1-based): chr1:99,851,082, G>A. VCF-style: chr1-99851082-G-A. GRCh37 (hg19) VCF-style: chr1-100316638-G-A.
Other names: c.40G>A, p.Glu14Lys (NM_001425329.1, NM_001425332.1, NM_001425325.1 and 6 more transcripts); c.-152G>A (NM_000646.3); short protein forms E14K.
Identifiers: ClinVar variation 1369367 (VCV001369367.4), dbSNP rs749411087, ClinGen allele CA965999.